The following is an entry in ClinVar:

ClinVar aggregate classification (germline): Benign (1 of 4 stars; one submission).

Submission:

Unidad de Genómica Garrahan, Hospital de Pediatría Garrahan
Classification: Benign. Last evaluated: 2024-01-24. Review status: criteria provided, single submitter. Criteria: ACMG Guidelines, 2015. Collection method: clinical testing. Allele origin: germline. Affected: no. Observed: 25 variant alleles.
Comment: This variant is classified as Benign based on local population frequency. This variant was detected in 26% of patients studied by a panel of primary immunodeficiencies. Number of patients: 25. Only high quality variants are reported.

NM_005060.4(RORC):c.156+79_156+80insCACACACG

Gene: RORC (RAR related orphan receptor C; minus strand). Cytogenetic location: 1q21.3.
Variant type: Microsatellite.
Coding change: c.156+79_156+80insCACACACG on transcript NM_005060.4 (MANE Select); bases 79 to 80 of the intron after coding-DNA position 156, CACACACG inserted.
Molecular consequence: intron variant.
Genome position: GRCh38 VCF-style: chr1-151817115-T-TGTGTGTGC. GRCh37 (hg19) VCF-style: chr1-151789591-T-TGTGTGTGC.
Other names: c.93+79_93+80insCACACACG (NM_001001523.2).
Identifiers: ClinVar variation 2688285 (VCV002688285.2), dbSNP rs2525632452.
Genomic context (GRCh38, chr1:151,817,115, plus strand): 5'-TCATCCCTGGAGTCAGAACAAAGGCCATTAACCCCCTTGTTTATCTCTAAGGAGACACTG[T>TGTGTGTGC]GTGTGTGTGTGTGTGTGCGCGCGCGCGCGCTTGTGTATGCACACGCACACATGCATGCAT-3'